The following is an entry in ClinVar:

ClinVar aggregate classification (germline): Uncertain significance. Review status: reviewed by expert panel (3 of 4 stars). 7 submissions from 7 submitters: Uncertain significance (1). 6 of the submissions do not count toward it. Last evaluated 2025-01-29.

Conditions:
Monogenic diabetes. Identifiers: Orphanet 183625, MedGen C3888631, MONDO:0015967.
HNF4A-related disorder. Also called: HNF4A-related condition.
Fanconi renotubular syndrome 4 with maturity-onset diabetes of the young (FRTS4). Also called: FRTS4 WITH MODY. Identifiers: Orphanet 93111, MedGen C4014962, MONDO:0014458, OMIM 616026.
Maturity-onset diabetes of the young type 1. Also called: HNF4A-Related Maturity-Onset Diabetes of the Young Type 1; MODY, type I; MILD JUVENILE DIABETES MELLITUS; MODY type 1; Diabetes mellitus MODY type 1; MODY HNF4A related. Identifiers: Orphanet 552, MedGen C1852093, MONDO:0007452, OMIM 125850. Disease mechanism: loss of function.
Type 2 diabetes mellitus. Also called: Type II diabetes mellitus. Identifiers: MedGen C0011860, MeSH D003924, MONDO:0005148, OMIM 125853, HP:0005978.
Maturity-onset diabetes of the young (MODY). Also called: Maturity onset diabetes mellitus in young. Identifiers: Orphanet 552, MedGen C0342276, MONDO:0018911, HP:0004904.

Allele frequency attached by ClinVar (database versions not stated): gnomAD exomes 0.00001; ExAC 0.00002; gnomAD 0.00005; TOPMed 0.00007; ESP Exome Variant Server 0.00008.
gnomAD v4.1: 38 of 1,607,760 alleles (0.0024%); highest among the groups gnomAD compares: African/African-American, 0.019%; no homozygotes.

Submissions (7):

ClinGen Monogenic Diabetes Variant Curation Expert Panel
Classification: Uncertain significance for Monogenic diabetes. Last evaluated: 2025-01-29. Review status: reviewed by expert panel. Criteria: ClinGen Diabetes ACMG Specifications HNF4A V2.0.0. Collection method: curation. Allele origin: germline. Inheritance: Autosomal dominant inheritance.
Comment: The c.670+7C>T variant in the HNF4 homeobox A gene, HNF4A, is a single nucleotide variant within intron 6 of NM_175914.5. The computational splicing predictor SpliceAI gives a score of 0.00 for donor loss, suggesting that the variant has no impact on splicing (BP4). This variant has a Popmax Filtering allele frequency in gnomAD 2.1.1 of 0.00002141 which is lower than the MDEP threshold for BS1 (0.000033) and greater than the MDEP threshold for PM2 (0.000003). This variant was identified in an individual with a clinical history highly specific for HNF4A-MODY (MODY probability calculator result >50% and negative genetic testing for HNF1A) (PP4; internal lab contributor).In summary, c.670+7C>T meets the criteria to be classified as a variant of uncertain significance for monogenic diabetes. ACMG/AMP criteria applied, as specified by the ClinGen MDEP (specification version 2.0.0, approved 10/11/2023): BP4, PP4.

Labcorp Genetics (formerly Invitae), Labcorp
Classification: Likely benign. Last evaluated: 2024-09-29. Review status: criteria provided, single submitter. Criteria: Invitae Variant Classification Sherloc (09022015). Collection method: clinical testing. Allele origin: germline. Not counted in ClinVar's aggregate classification.

Fulgent Genetics
Classification: Likely benign for Maturity-onset diabetes of the young type 1; Type 2 diabetes mellitus; Fanconi renotubular syndrome 4 with maturity-onset diabetes of the young. Last evaluated: 2024-05-24. Review status: criteria provided, single submitter. Criteria: ACMG Guidelines, 2015. Collection method: clinical testing. Allele origin: germline. Not counted in ClinVar's aggregate classification.

Blueprint Genetics
Classification: Likely benign. Last evaluated: 2023-06-30. Review status: criteria provided, single submitter. Criteria: ACMG Guidelines, 2015. Collection method: clinical testing. Allele origin: germline. Not counted in ClinVar's aggregate classification.

Athena Diagnostics
Classification: Likely benign. Last evaluated: 2017-06-05. Review status: criteria provided, single submitter. Criteria: Athena Diagnostics Criteria. Collection method: clinical testing. Allele origin: germline. Not counted in ClinVar's aggregate classification.

Clinical Genomics, Uppaluri K&H Personalized Medicine Clinic
Classification: Benign for Maturity-onset diabetes of the young. Review status: criteria provided, single submitter. Criteria: K & H Uppaluri Personalized Medicine Clinic Variant Classification & Assertion Criteria_Updated V.1. Collection method: research. Allele origin: unknown. Inheritance: Autosomal dominant inheritance. Not counted in ClinVar's aggregate classification.
Comment: Potent mutations in HNF4A are associated with poor insulin secretion in response to hyperglycemia. Associated with MODY1. Patients initially respond well to sulfonylureas but eventually become insulin dependent. However, more evidence is required to ascertain the role of this particular variant rs376544046 in MODY, yet.

PreventionGenetics, part of Exact Sciences
Classification: Likely benign for HNF4A-related condition. Last evaluated: 2019-03-04. Review status: no assertion criteria provided. Collection method: clinical testing. Allele origin: germline. Not counted in ClinVar's aggregate classification.
Comment: This variant is classified as likely benign based on ACMG/AMP sequence variant interpretation guidelines (Richards et al. 2015 PMID: 25741868, with internal and published modifications).

Literature cited by the submitters: PubMed 18268044 (cited by Clinical Genomics, Uppaluri K&H Personalized Medicine Clinic); PubMed 17563455 (cited by Clinical Genomics, Uppaluri K&H Personalized Medicine Clinic); PubMed 32583173 (cited by Clinical Genomics, Uppaluri K&H Personalized Medicine Clinic); PubMed 35052457 (cited by Clinical Genomics, Uppaluri K&H Personalized Medicine Clinic); PubMed 35118593 (cited by Clinical Genomics, Uppaluri K&H Personalized Medicine Clinic); DOI 10.1159/000334532 (cited by Clinical Genomics, Uppaluri K&H Personalized Medicine Clinic).

NM_175914.5(HNF4A):c.670+7C>T

Gene: HNF4A (hepatocyte nuclear factor 4 alpha; plus strand). Cytogenetic location: 20q13.12.
Variant type: single nucleotide variant.
Coding change: c.670+7C>T on transcript NM_175914.5 (MANE Select); 7 bases into the intron after coding-DNA position 670, C replaced by T.
Molecular consequence: intron variant.
Genome position (GRCh38, 1-based): chr20:44,418,519, C>T. VCF-style: chr20-44418519-C-T. GRCh37 (hg19) VCF-style: chr20-43047159-C-T.
Other names: c.661+7C>T (NM_001287182.2, NM_001287183.2, NM_001287184.2); c.670+7C>T (NM_001030003.3, NM_001030004.3, NM_175914.4); c.715+7C>T (NM_001258355.2); c.736+7C>T (NM_178849.3, NM_000457.6, NM_178850.3).
Identifiers: ClinVar variation 447519 (VCV000447519.8), dbSNP rs376544046, ClinGen allele CA9870336.